The following is an entry in ClinVar:

ClinVar aggregate classification (germline): Uncertain significance. Review status: criteria provided, multiple submitters, no conflicts (2 of 4 stars). 3 submissions from 3 submitters: Uncertain significance (3). Last evaluated 2026-08-13.

Conditions:
Myoclonic dystonia 11 (DYT11). Also called: Myoclonic dystonia; Dystonia 11; Dystonia, alcohol responsive; Hereditary essential myoclonus; SGCE Myoclonus-Dystonia; Myoclonus-Dystonia. Identifiers: Orphanet 36899, MedGen C1834570, MONDO:0008044, OMIM 159900.
Inborn genetic diseases. Identifiers: MedGen C0950123, MeSH D030342.

Allele frequency attached by ClinVar (database versions not stated): gnomAD exomes below 0.00001.
gnomAD v4.1: 1 of 1,613,798 alleles (0.000062%); highest among the groups gnomAD compares: Non-Finnish European, 0.000085%; no homozygotes.

Submissions (3):

Ambry Genetics
Classification: Uncertain significance for Inborn genetic diseases. Last evaluated: 2026-08-13. Review status: criteria provided, single submitter. Criteria: Ambry Variant Classification Scheme 2023. Collection method: clinical testing. Allele origin: germline.

Labcorp Genetics (formerly Invitae), Labcorp
Classification: Uncertain significance for Myoclonic dystonia 11. Last evaluated: 2021-11-23. Review status: criteria provided, single submitter. Criteria: Invitae Variant Classification Sherloc (09022015). Collection method: clinical testing. Allele origin: germline.
Comment: In summary, the available evidence is currently insufficient to determine the role of this variant in disease. Therefore, it has been classified as a Variant of Uncertain Significance. Algorithms developed to predict the effect of missense changes on protein structure and function are either unavailable or do not agree on the potential impact of this missense change (SIFT: "Tolerated"; PolyPhen-2: "Possibly Damaging"; Align-GVGD: "Class C0"). This variant has not been reported in the literature in individuals affected with SGCE-related conditions. This variant is not present in population databases (gnomAD no frequency). This sequence change replaces phenylalanine, which is neutral and non-polar, with leucine, which is neutral and non-polar, at codon 164 of the SGCE protein (p.Phe164Leu).

Revvity Omics, Revvity
Classification: Uncertain significance for Myoclonic dystonia 11. Last evaluated: 2020-12-31. Review status: criteria provided, single submitter. Criteria: ACMG Guidelines, 2015. Collection method: clinical testing. Allele origin: germline.

NM_003919.3(SGCE):c.492C>A (p.Phe164Leu)

Genes: CASD1 (CAS1 domain sialic acid O acetyltransferase 1; plus strand), SGCE (sarcoglycan epsilon; minus strand). Cytogenetic location: 7q21.3.
Variant type: single nucleotide variant.
Coding change: c.492C>A on transcript NM_003919.3 (MANE Select); coding-DNA position 492, C replaced by A.
Protein change: p.Phe164Leu; replaces phenylalanine 164 with leucine.
Molecular consequence: missense variant.
Genome position (GRCh38, 1-based): chr7:94,618,928, G>T on the plus strand (C>A on the coding strand, the complement: SGCE is on the minus strand). VCF-style: chr7-94618928-G-T. GRCh37 (hg19) VCF-style: chr7-94248240-G-T.
Other names: c.492C>A (NM_003919.2); c.492C>A, p.Phe164Leu (NM_001099400.2, NM_001099401.2, NM_001346717.2); c.369C>A, p.Phe123Leu (NM_001301139.2, NM_001362809.2); c.600C>A, p.Phe200Leu (NM_001346713.2, NM_001346715.2); c.405C>A, p.Phe135Leu (NM_001346719.2, NM_001362807.2); c.219C>A, p.Phe73Leu (NM_001346720.2, NM_001362808.2); short protein forms F123L, F164L, F135L, F200L, F73L.
Identifiers: ClinVar variation 2145027 (VCV002145027.8), dbSNP rs2485109612, ClinGen allele CA368235923.
Genomic context (GRCh38, chr7:94,618,928, plus strand): 5'-AAGAAAGTCTCCAAGAACCTCACTGGCCAACATTTCTTCTACATTCATATTCTTAATGAA[G>T]AATTCTGCTTGATATGGCAACGGGAAGTCTAATTTTGGTGAAAAAGGGCATGCATATCTT-3'
Protein context (NP_003910.1, residues 154-174): EDFPLPYQAE[Phe164Leu]FIKNMNVEEM